The following is an entry in ClinVar:

NM_017617.5(NOTCH1):c.3511-11C>T

Gene: NOTCH1 (notch receptor 1; minus strand). Cytogenetic location: 9q34.3.
Variant type: single nucleotide variant.
Coding change: c.3511-11C>T on transcript NM_017617.5 (MANE Select); 11 bases into the intron before coding-DNA position 3511, C replaced by T.
Molecular consequence: intron variant.
Genome position (GRCh38, 1-based): chr9:136,507,448, G>A on the plus strand (C>T on the coding strand, the complement: NOTCH1 is on the minus strand). VCF-style: chr9-136507448-G-A. GRCh37 (hg19) VCF-style: chr9-139401900-G-A.
Other names: c.3511-11C>T (LRG_1122t1).
Identifiers: ClinVar variation 508431 (VCV000508431.12), dbSNP rs201280571, ClinGen allele CA5340891.

ClinVar aggregate classification (germline): Benign/Likely benign. Review status: criteria provided, multiple submitters, no conflicts (2 of 4 stars). 6 submissions from 5 submitters: Benign (4); Likely benign (2). Last evaluated 2026-01-16.

Conditions:
Aortic valve disease 1 (AOVD1). Identifiers: MedGen C3887892, MONDO:0024523, OMIM 109730.
Adams-Oliver syndrome 5 (AOS5). Identifiers: Orphanet 974, MedGen C4014970, MONDO:0014459, OMIM 616028.

Allele frequency attached by ClinVar (database versions not stated): ESP Exome Variant Server 0.00008; gnomAD 0.00016 and 0.00026; TOPMed 0.00021; gnomAD exomes 0.00031 and 0.00040; ExAC 0.00060; 1000 Genomes Project 30x 0.00125; 1000 Genomes Project 0.00140.
gnomAD v4.1: 465 of 1,596,748 alleles (0.029%); highest among the groups gnomAD compares: East Asian, 0.95%; 4 homozygotes.

Submissions (6):

Labcorp Genetics (formerly Invitae), Labcorp
Classification: Benign for Adams-Oliver syndrome 5. Last evaluated: 2026-01-16. Review status: criteria provided, single submitter. Criteria: Invitae Variant Classification Sherloc (09022015). Collection method: clinical testing. Allele origin: germline.

Women's Health and Genetics/Laboratory Corporation of America, LabCorp
Classification: Benign. Last evaluated: 2025-07-21. Review status: criteria provided, single submitter. Criteria: LabCorp Variant Classification Summary - May 2015. Collection method: clinical testing. Allele origin: germline.

Blueprint Genetics
Classification: Likely benign. Last evaluated: 2024-11-23. Review status: criteria provided, single submitter. Criteria: ACMG Guidelines, 2015. Collection method: clinical testing. Allele origin: germline.

Genome-Nilou Lab
Classification: Benign for Adams-Oliver syndrome 5. Last evaluated: 2022-03-15. Review status: criteria provided, single submitter. Criteria: ACMG Guidelines, 2015. Collection method: clinical testing. Allele origin: germline. Affected: no.

Genome-Nilou Lab
Classification: Benign for Aortic valve disease 1. Last evaluated: 2022-03-15. Review status: criteria provided, single submitter. Criteria: ACMG Guidelines, 2015. Collection method: clinical testing. Allele origin: germline. Affected: no.

GeneDx
Classification: Likely benign. Last evaluated: 2017-12-27. Review status: criteria provided, single submitter. Criteria: GeneDx Variant Classification (06012015). Collection method: clinical testing. Allele origin: germline. Affected: yes.
Comment: This variant is considered likely benign or benign based on one or more of the following criteria: it is a conservative change, it occurs at a poorly conserved position in the protein, it is predicted to be benign by multiple in silico algorithms, and/or has population frequency not consistent with disease.

Literature cited by the submitters: PubMed 16614245 (cited by Women's Health and Genetics/Laboratory Corporation of America, LabCorp); PubMed 19635999 (cited by Women's Health and Genetics/Laboratory Corporation of America, LabCorp); PubMed 19245433 (cited by Women's Health and Genetics/Laboratory Corporation of America, LabCorp); PubMed 22858860 (cited by Women's Health and Genetics/Laboratory Corporation of America, LabCorp).